The following is an entry in ClinVar:

NM_006129.5(BMP1):c.238C>T (p.Arg80Cys)

Gene: BMP1 (bone morphogenetic protein 1; plus strand). Cytogenetic location: 8p21.3.
Variant type: single nucleotide variant.
Coding change: c.238C>T on transcript NM_006129.5 (MANE Select); coding-DNA position 238, C replaced by T.
Protein change: p.Arg80Cys; replaces arginine 80 with cysteine.
Molecular consequence: missense variant. On other transcripts: non-coding transcript variant (2).
Genome position (GRCh38, 1-based): chr8:22,173,691, C>T. VCF-style: chr8-22173691-C-T. GRCh37 (hg19) VCF-style: chr8-22031204-C-T.
Other names: c.238C>T, p.Arg80Cys (NM_001199.4); short protein forms R80C.
Identifiers: ClinVar variation 1940108 (VCV001940108.3), dbSNP rs368435767, ClinGen allele CA173490973.
Genomic context (GRCh38, chr8:22,173,691, plus strand): 5'-GAAGAGGACCTGAGGGCCTTCCAGGTACAGCAGGCTGTGGATCTCAGACGGCACACAGCT[C>T]GTAAGTCCTCCATCAAAGCTGCAGGTAAGCCGGGTGCCAATGGGCCCTCTGTGTCCTAGA-3'
Protein context (NP_006120.1, residues 70-90): QAVDLRRHTA[Arg80Cys]KSSIKAAVPG

ClinVar aggregate classification (germline): Uncertain significance. Review status: criteria provided, multiple submitters, no conflicts (2 of 4 stars). 2 submissions from 2 submitters: Uncertain significance (2). Last evaluated 2022-06-07.

Conditions:
Inborn genetic diseases. Identifiers: MedGen C0950123, MeSH D030342.

Allele frequency attached by ClinVar (database versions not stated): TOPMed below 0.00001; gnomAD 0.00001; ESP Exome Variant Server 0.00008.
gnomAD v4.1: 4 of 1,612,778 alleles (0.00025%); highest among the groups gnomAD compares: African/African-American, 0.0013%; no homozygotes.

Submissions (2):

Labcorp Genetics (formerly Invitae), Labcorp
Classification: Uncertain significance. Last evaluated: 2022-06-07. Review status: criteria provided, single submitter. Criteria: Invitae Variant Classification Sherloc (09022015). Collection method: clinical testing. Allele origin: germline.
Comment: This sequence change replaces arginine, which is basic and polar, with cysteine, which is neutral and slightly polar, at codon 80 of the BMP1 protein (p.Arg80Cys). The frequency data for this variant in the population databases is considered unreliable, as metrics indicate poor data quality at this position in the gnomAD database. This variant has not been reported in the literature in individuals affected with BMP1-related conditions. Algorithms developed to predict the effect of missense changes on protein structure and function output the following: SIFT: "Tolerated"; PolyPhen-2: "Benign"; Align-GVGD: "Class C15". The cysteine amino acid residue is found in multiple mammalian species, which suggests that this missense change does not adversely affect protein function. In summary, the available evidence is currently insufficient to determine the role of this variant in disease. Therefore, it has been classified as a Variant of Uncertain Significance.

Ambry Genetics
Classification: Uncertain significance for Inborn genetic diseases. Last evaluated: 2022-05-11. Review status: criteria provided, single submitter. Criteria: Ambry Variant Classification Scheme 2023. Collection method: clinical testing. Allele origin: germline.